The following is an entry in ClinVar:

NR_002196.3(H19):n.676G>A

Genes: H19 (H19 imprinted maternally expressed transcript; minus strand), MRPL23 (mitochondrial ribosomal protein L23; plus strand). Cytogenetic location: 11p15.5.
Variant type: single nucleotide variant.
Molecular consequence: non-coding transcript variant (on NR_002196.3). On other transcripts: intron variant (1).
Genome position: GRCh38 VCF-style: chr11-1997167-C-T. GRCh37 (hg19) VCF-style: chr11-2018397-C-T.
Other names: c.498-14374C>T (NM_001400176.1).
Identifiers: ClinVar variation 3039706 (VCV003039706.2), dbSNP rs376249764, ClinGen allele CA5817526.

ClinVar aggregate classification (germline): Benign (0 of 4 stars; one submission).

Conditions:
H19-related disorder. Also called: H19-related condition.

Allele frequency attached by ClinVar (database versions not stated): 1000 Genomes Project 0.00459; ExAC 0.00638.

Submission:

PreventionGenetics, part of Exact Sciences
Classification: Benign for H19-related condition. Last evaluated: 2019-05-25. Review status: no assertion criteria provided. Collection method: clinical testing. Allele origin: germline.
Comment: This variant is classified as benign based on ACMG/AMP sequence variant interpretation guidelines (Richards et al. 2015 PMID: 25741868, with internal and published modifications).